The following is an entry in ClinVar:

NM_001348323.3(TRIP12):c.1685G>A (p.Arg562Gln)

Gene: TRIP12 (thyroid hormone receptor interactor 12; minus strand). Cytogenetic location: 2q36.3.
Variant type: single nucleotide variant.
Coding change: c.1685G>A on transcript NM_001348323.3 (MANE Select); coding-DNA position 1685, G replaced by A.
Protein change: p.Arg562Gln; replaces arginine 562 with glutamine.
Molecular consequence: missense variant.
Genome position (GRCh38, 1-based): chr2:229,815,145, C>T on the plus strand (G>A on the coding strand, the complement: TRIP12 is on the minus strand). VCF-style: chr2-229815145-C-T. GRCh37 (hg19) VCF-style: chr2-230679861-C-T.
Other names: c.1685G>A, p.Arg562Gln (NM_001284214.2, NM_001348315.2, NM_001348319.1 and 11 more transcripts); c.1559G>A, p.Arg520Gln (NM_001284215.2, NM_001348316.2, NM_001348317.1 and 2 more transcripts); c.650G>A, p.Arg217Gln (NM_001284216.2); c.1598G>A, p.Arg533Gln (NM_001348332.1); c.1541G>A, p.Arg514Gln (NM_004238.3); short protein forms R217Q, R514Q, R520Q, R533Q, R562Q.
Identifiers: ClinVar variation 2443526 (VCV002443526.2), dbSNP rs1171317809, ClinGen allele CA350922299.

ClinVar aggregate classification (germline): Uncertain significance (1 of 4 stars; one submission).

Allele frequency attached by ClinVar (database versions not stated): gnomAD exomes below 0.00001.
gnomAD v4.1: 2 of 1,612,940 alleles (0.00012%); highest among the groups gnomAD compares: South Asian, 0.0011%; no homozygotes.

Submission:

GeneDx
Classification: Uncertain significance. Last evaluated: 2023-03-21. Review status: criteria provided, single submitter. Criteria: GeneDx Variant Classification Process June 2021. Collection method: clinical testing. Allele origin: germline. Affected: yes.
Comment: Not observed at significant frequency in large population cohorts (gnomAD); In silico analysis supports that this missense variant has a deleterious effect on protein structure/function; Identified in an individual with a neurodevelopmental disorder, however, segregation and detailed clinical information were not provided (Wang et al., 2020); This variant is associated with the following publications: (PMID: 33004838)